The following is an entry in ClinVar:

NM_001040716.2(PC):c.1084del (p.Leu362fs)

Gene: PC (pyruvate carboxylase; minus strand). Cytogenetic location: 11q13.2.
Variant type: Deletion.
Coding change: c.1084del on transcript NM_001040716.2 (MANE Select); coding-DNA position 1084, one base deleted (C; older notation c.1084delC).
Protein change: p.Leu362fs; shifts the reading frame from leucine 362.
Molecular consequence: frameshift variant.
Genome position (GRCh38, 1-based): chr11:66,866,288, G deleted on the plus strand (C on the coding strand, the reverse complement: PC is on the minus strand); the first of 2 consecutive G bases (chr11:66,866,288-66,866,289); deleting either gives the same sequence. VCF-style (leftmost placement, unchanged base first): chr11-66866287-AG-A. GRCh37 (hg19) VCF-style: chr11-66633758-AG-A.
Other names: c.1084del, p.Leu362fs (NM_000920.4, NM_022172.3); short protein forms L362fs.
Identifiers: ClinVar variation 1433419 (VCV001433419.6), dbSNP rs2135917031, ClinGen allele CA2573147589.

ClinVar aggregate classification (germline): Pathogenic (1 of 4 stars; one submission).

Conditions:
Pyruvate carboxylase deficiency. Also called: ATAXIA WITH LACTIC ACIDOSIS II; Pyruvate Carboxylase Deficiency Disease; LEIGH NECROTIZING ENCEPHALOPATHY DUE TO PYRUVATE CARBOXYLASE DEFICIENCY; LEIGH SYNDROME DUE TO PYRUVATE CARBOXYLASE DEFICIENCY; PC DEFICIENCY. Identifiers: Orphanet 3008, MedGen C0034341, MONDO:0009949, OMIM 266150.

Submission:

Labcorp Genetics (formerly Invitae), Labcorp
Classification: Pathogenic for Pyruvate carboxylase deficiency. Last evaluated: 2021-10-20. Review status: criteria provided, single submitter. Criteria: Invitae Variant Classification Sherloc (09022015). Collection method: clinical testing. Allele origin: germline.
Comment: For these reasons, this variant has been classified as Pathogenic. This variant has not been reported in the literature in individuals affected with PC-related conditions. This variant is not present in population databases (ExAC no frequency). This sequence change creates a premature translational stop signal (p.Leu362Cysfs*82) in the PC gene. It is expected to result in an absent or disrupted protein product. Loss-of-function variants in PC are known to be pathogenic (PMID: 12112657, 19306334).

Literature cited by the submitters: PubMed 12112657; PubMed 19306334.